The following is an entry in ClinVar:

ClinVar aggregate classification (germline): Uncertain significance (1 of 4 stars; one submission).

Conditions:
Cryptosporidiosis-chronic cholangitis-liver disease syndrome. Also called: IL21R immunodeficiency; Immunodeficiency type 56. Identifiers: Orphanet 357329, MedGen C3554687, MONDO:0014082, OMIM 615207.

Submission:

Labcorp Genetics (formerly Invitae), Labcorp
Classification: Uncertain significance for Cryptosporidiosis-chronic cholangitis-liver disease syndrome. Last evaluated: 2023-10-13. Review status: criteria provided, single submitter. Criteria: Invitae Variant Classification Sherloc (09022015). Collection method: clinical testing. Allele origin: germline.
Comment: This sequence change replaces tyrosine, which is neutral and polar, with serine, which is neutral and polar, at codon 105 of the IL21R protein (p.Tyr105Ser). This variant is not present in population databases (gnomAD no frequency). This variant has not been reported in the literature in individuals affected with IL21R-related conditions. ClinVar contains an entry for this variant (Variation ID: 1471657). Advanced modeling of protein sequence and biophysical properties (such as structural, functional, and spatial information, amino acid conservation, physicochemical variation, residue mobility, and thermodynamic stability) performed at Invitae indicates that this missense variant is not expected to disrupt IL21R protein function. In summary, the available evidence is currently insufficient to determine the role of this variant in disease. Therefore, it has been classified as a Variant of Uncertain Significance.

NM_181078.3(IL21R):c.314A>C (p.Tyr105Ser)

Gene: IL21R (interleukin 21 receptor; plus strand). Cytogenetic location: 16p12.1.
Variant type: single nucleotide variant.
Coding change: c.314A>C on transcript NM_181078.3 (MANE Select); coding-DNA position 314, A replaced by C.
Protein change: p.Tyr105Ser; replaces tyrosine 105 with serine.
Molecular consequence: missense variant.
Genome position (GRCh38, 1-based): chr16:27,437,649, A>C. VCF-style: chr16-27437649-A-C. GRCh37 (hg19) VCF-style: chr16-27448970-A-C.
Other names: c.314A>C, p.Tyr105Ser (NM_021798.4); c.380A>C, p.Tyr127Ser (NM_181079.5); short protein forms Y105S, Y127S.
Identifiers: ClinVar variation 1471657 (VCV001471657.8), dbSNP rs2141295557, ClinGen allele CA395300275.